The following is an entry in ClinVar:

ClinVar aggregate classification (germline): Uncertain significance (1 of 4 stars; one submission).

gnomAD v4.1: 4 of 1,541,370 alleles (0.00026%); highest among the groups gnomAD compares: South Asian, 0.0024%; no homozygotes.

Submission:

Labcorp Genetics (formerly Invitae), Labcorp
Classification: Uncertain significance. Last evaluated: 2025-09-19. Review status: criteria provided, single submitter. Criteria: Invitae Variant Classification Sherloc (09022015). Collection method: clinical testing. Allele origin: germline.
Comment: This sequence change replaces threonine, which is neutral and polar, with alanine, which is neutral and non-polar, at codon 344 of the MYLK3 protein (p.Thr344Ala). This variant is not present in population databases (gnomAD no frequency). This variant has not been reported in the literature in individuals affected with MYLK3-related conditions. ClinVar contains an entry for this variant (Variation ID: 3711599). An algorithm developed to predict the effect of missense changes on protein structure and function outputs the following: PolyPhen-2: "Benign". The alanine amino acid residue is found in multiple mammalian species, which suggests that this missense change does not adversely affect protein function. In summary, the available evidence is currently insufficient to determine the role of this variant in disease. Therefore, it has been classified as a Variant of Uncertain Significance.

NM_182493.3(MYLK3):c.1030A>G (p.Thr344Ala)

Gene: MYLK3 (myosin light chain kinase 3; minus strand). Cytogenetic location: 16q11.2.
Variant type: single nucleotide variant.
Coding change: c.1030A>G on transcript NM_182493.3 (MANE Select); coding-DNA position 1030, A replaced by G.
Protein change: p.Thr344Ala; replaces threonine 344 with alanine.
Molecular consequence: missense variant.
Genome position (GRCh38, 1-based): chr16:46,732,640, T>C on the plus strand (A>G on the coding strand, the complement: MYLK3 is on the minus strand). VCF-style: chr16-46732640-T-C. GRCh37 (hg19) VCF-style: chr16-46766552-T-C.
Other names: c.7A>G, p.Thr3Ala (NM_001308301.1); short protein forms T344A, T3A.
Identifiers: ClinVar variation 3711599 (VCV003711599.2).